The following is an entry in ClinVar:

NM_005027.4(PIK3R2):c.1827G>A (p.Glu609=)

Gene: PIK3R2 (phosphoinositide-3-kinase regulatory subunit 2; plus strand). Cytogenetic location: 19p13.11.
Variant type: single nucleotide variant.
Coding change: c.1827G>A on transcript NM_005027.4 (MANE Select); coding-DNA position 1827, G replaced by A.
Protein change: p.Glu609=; no amino-acid change (glutamic acid 609 retained).
Molecular consequence: synonymous variant. On other transcripts: non-coding transcript variant (2).
Genome position (GRCh38, 1-based): chr19:18,168,744, G>A. VCF-style: chr19-18168744-G-A. GRCh37 (hg19) VCF-style: chr19-18279554-G-A.
Identifiers: ClinVar variation 2140323 (VCV002140323.22), dbSNP rs770299300, ClinGen allele CA9307168.
Genomic context (GRCh38, chr19:18,168,744, plus strand): 5'-GTGAGTGACCAGGGCCCTCCCCGCCACCGCCCCCCACCCCAGCCAGTACGCACTCATGGA[G>A]GACGAGGACGATCTCCCGCACCACGAGGAACGCACTTGGTACGTGGGCAAGATCAACCGC-3'
Protein context (NP_005018.2, residues 599-619): NETEDQYALM[Glu609=]DEDDLPHHEE

ClinVar aggregate classification (germline): Likely benign. Review status: criteria provided, multiple submitters, no conflicts (2 of 4 stars). 2 submissions from 2 submitters: Likely benign (2). Last evaluated 2024-06-01.

Conditions:
Megalencephaly-polymicrogyria-postaxial polydactyly-hydrocephalus syndrome. Also called: MEG-PMG-MEGACC SYNDROME; MPPH Syndrome. Identifiers: Orphanet 83473, MedGen C1863924, MONDO:0019375.

Allele frequency attached by ClinVar (database versions not stated): gnomAD exomes 0.00001; ExAC 0.00002.
gnomAD v4.1: 11 of 1,613,346 alleles (0.00068%); highest among the groups gnomAD compares: South Asian, 0.0011%; no homozygotes.

Submissions (2):

CeGaT Center for Human Genetics Tuebingen
Classification: Likely benign. Last evaluated: 2024-06-01. Review status: criteria provided, single submitter. Criteria: CeGaT Center For Human Genetics Tuebingen Variant Classification Criteria Version 2. Collection method: clinical testing. Allele origin: germline. Affected: yes. Observed: 1 variant allele.
Comment: PIK3R2: BP4, BP7

Labcorp Genetics (formerly Invitae), Labcorp
Classification: Likely benign for Megalencephaly-polymicrogyria-postaxial polydactyly-hydrocephalus syndrome. Last evaluated: 2022-06-10. Review status: criteria provided, single submitter. Criteria: Invitae Variant Classification Sherloc (09022015). Collection method: clinical testing. Allele origin: germline.